The following is an entry in ClinVar:

ClinVar aggregate classification (germline): Uncertain significance (1 of 4 stars; one submission).

Conditions:
Jeune thoracic dystrophy. Also called: Jeune syndrome; Infantile thoracic dystrophy; Thoracic pelvic phalangeal dystrophy; Jeune's syndrome; Chondroectodermal dysplasia-like syndrome; Short-rib thoracic dysplasia. Identifiers: Orphanet 474, MedGen C0265275, MONDO:0018770.

Allele frequency attached by ClinVar (database versions not stated): ExAC 0.00001; gnomAD 0.00001; gnomAD exomes 0.00001.
gnomAD v4.1: 12 of 1,613,304 alleles (0.00074%); highest among the groups gnomAD compares: Admixed American, 0.0033%; no homozygotes.

Submission:

Labcorp Genetics (formerly Invitae), Labcorp
Classification: Uncertain significance for Jeune thoracic dystrophy. Last evaluated: 2022-03-12. Review status: criteria provided, single submitter. Criteria: Invitae Variant Classification Sherloc (09022015). Collection method: clinical testing. Allele origin: germline.
Comment: This sequence change replaces glutamine, which is neutral and polar, with lysine, which is basic and polar, at codon 3858 of the DYNC2H1 protein (p.Gln3858Lys). This variant is present in population databases (rs753710998, gnomAD 0.003%). This variant has not been reported in the literature in individuals affected with DYNC2H1-related conditions. Advanced modeling of protein sequence and biophysical properties (such as structural, functional, and spatial information, amino acid conservation, physicochemical variation, residue mobility, and thermodynamic stability) performed at Invitae indicates that this missense variant is not expected to disrupt DYNC2H1 protein function. In summary, the available evidence is currently insufficient to determine the role of this variant in disease. Therefore, it has been classified as a Variant of Uncertain Significance.

NM_001377.3(DYNC2H1):c.11551C>A (p.Gln3851Lys)

Gene: DYNC2H1 (dynein cytoplasmic 2 heavy chain 1; plus strand). Cytogenetic location: 11q22.3.
Variant type: single nucleotide variant.
Coding change: c.11551C>A on transcript NM_001377.3 (MANE Select); coding-DNA position 11551, C replaced by A.
Protein change: p.Gln3851Lys; replaces glutamine 3851 with lysine.
Molecular consequence: missense variant.
Genome position (GRCh38, 1-based): chr11:103,311,935, C>A. VCF-style: chr11-103311935-C-A. GRCh37 (hg19) VCF-style: chr11-103182664-C-A.
Other names: c.11572C>A, p.Gln3858Lys (NM_001080463.2); short protein forms Q3851K, Q3858K.
Identifiers: ClinVar variation 2045416 (VCV002045416.1), dbSNP rs753710998, ClinGen allele CA6255311.